The following is an entry in ClinVar:

NM_005379.4(MYO1A):c.2141G>A (p.Arg714His)

Gene: MYO1A (myosin IA; minus strand). Cytogenetic location: 12q13.3.
Variant type: single nucleotide variant.
Coding change: c.2141G>A on transcript NM_005379.4 (MANE Select); coding-DNA position 2141, G replaced by A.
Protein change: p.Arg714His; replaces arginine 714 with histidine.
Molecular consequence: missense variant.
Genome position (GRCh38, 1-based): chr12:57,037,006, C>T on the plus strand (G>A on the coding strand, the complement: MYO1A is on the minus strand). VCF-style: chr12-57037006-C-T. GRCh37 (hg19) VCF-style: chr12-57430790-C-T.
Other names: c.2141G>A, p.Arg714His (NM_001256041.2); short protein forms R714H.
Identifiers: ClinVar variation 227656 (VCV000227656.6), dbSNP rs369452147, ClinGen allele CA6639852.

ClinVar aggregate classification (germline): Conflicting classifications of pathogenicity. Review status: criteria provided, conflicting classifications (1 of 4 stars). 2 submissions from 2 submitters: Uncertain significance (1); Likely benign (1). Last evaluated 2021-10-27.

Allele frequency attached by ClinVar (database versions not stated): gnomAD 0.00002 and 0.00003; TOPMed 0.00004; ExAC 0.00007; ESP Exome Variant Server 0.00008.
gnomAD v4.1: 63 of 1,614,012 alleles (0.0039%); highest among the groups gnomAD compares: South Asian, 0.021%; 1 homozygote.

Submissions (2):

Revvity Omics, Revvity
Classification: Uncertain significance. Last evaluated: 2021-10-27. Review status: criteria provided, single submitter. Criteria: ACMG Guidelines, 2015. Collection method: clinical testing. Allele origin: germline.

Laboratory for Molecular Medicine, Mass General Brigham Personalized Medicine
Classification: Likely benign. Last evaluated: 2015-02-04. Review status: criteria provided, single submitter. Criteria: LMM Criteria. Collection method: clinical testing. Allele origin: germline. Observed: 1 variant allele.
Comment: p.Arg714His in exon 20 of MYO1A: This variant is not expected to have clinical s ignificance for hearing loss due to recent evidence disqualifying an association between variants in this gene and hearing loss (Eisenberger 2014). This variant has been identified in 5/67702 of European chromosomes and 4/16628 South Asian chromosomes by the Exome Aggregation Consortium (ExAC; dbSNP rs369452147)

Literature cited by the submitters: PubMed 24616153 (cited by Laboratory for Molecular Medicine, Mass General Brigham Personalized Medicine).